The following is an entry in ClinVar:

NM_000465.4(BARD1):c.779T>G (p.Leu260Ter)

Gene: BARD1 (BRCA1 associated RING domain 1; minus strand). Cytogenetic location: 2q35.
Variant type: single nucleotide variant.
Coding change: c.779T>G on transcript NM_000465.4 (MANE Select); coding-DNA position 779, T replaced by G.
Protein change: p.Leu260Ter; replaces leucine 260 with a stop codon.
Molecular consequence: nonsense. On other transcripts: non-coding transcript variant (2), intron variant (3).
Genome position (GRCh38, 1-based): chr2:214,781,095, A>C on the plus strand (T>G on the coding strand, the complement: BARD1 is on the minus strand). VCF-style: chr2-214781095-A-C. GRCh37 (hg19) VCF-style: chr2-215645819-A-C.
Other names: c.722T>G, p.Leu241Ter (NM_001282543.2); c.158+28317T>G (NM_001282548.2); c.215+15966T>G (NM_001282545.2); c.364+11202T>G (NM_001282549.2); short protein forms L260*, L241*.
Identifiers: ClinVar variation 572315 (VCV000572315.7), dbSNP rs1559425010, ClinGen allele CA350455819.

ClinVar aggregate classification (germline): Pathogenic (1 of 4 stars; one submission).

Conditions:
Familial cancer of breast. Also called: hereditary breast carcinoma; BREAST CANCER, FAMILIAL; Hereditary breast cancer. Identifiers: Orphanet 227535, MedGen C0346153, MONDO:0016419, OMIM 114480. Disease mechanism: loss of function.

Submission:

Labcorp Genetics (formerly Invitae), Labcorp
Classification: Pathogenic for Familial cancer of breast. Last evaluated: 2018-05-24. Review status: criteria provided, single submitter. Criteria: Invitae Variant Classification Sherloc (09022015). Collection method: clinical testing. Allele origin: germline.
Comment: This variant has not been reported in the literature in individuals with BARD1-related disease. This variant is not present in population databases (ExAC no frequency). This sequence change creates a premature translational stop signal (p.Leu260*) in the BARD1 gene. It is expected to result in an absent or disrupted protein product. Loss-of-function variants in BARD1 are known to be pathogenic (PMID: 20077502, 21344236). For these reasons, this variant has been classified as Pathogenic.

Literature cited by the submitters: PubMed 20077502; PubMed 21344236.